The following is an entry in ClinVar:

NM_000135.4(FANCA):c.283+1del

Gene: FANCA (FA complementation group A; minus strand). Cytogenetic location: 16q24.3.
Variant type: Deletion.
Coding change: c.283+1del on transcript NM_000135.4 (MANE Select); the canonical splice donor site of the intron after coding-DNA position 283, one base deleted (G; older notation c.283+1delG).
Molecular consequence: splice donor variant.
Genome position (GRCh38, 1-based): chr16:89,814,519, C deleted on the plus strand (G on the coding strand, the reverse complement: FANCA is on the minus strand); the first of 2 consecutive C bases (chr16:89,814,519-89,814,520); deleting either gives the same sequence. VCF-style (leftmost placement, unchanged base first): chr16-89814518-AC-A. GRCh37 (hg19) VCF-style: chr16-89880926-AC-A.
Other names: c.283+1del (NM_001286167.3, NM_001351830.2, NM_001018112.3).
Identifiers: ClinVar variation 973988 (VCV000973988.1), dbSNP rs2041024132, ClinGen allele CA1139664993.
Genomic context (GRCh38, chr16:89,814,518, plus strand): 5'-TATGGTTACTATATAAAAACCCTTCTGCAATTCAAAATAGAGAAAATGAAGCTATAACTT[AC>A]CTATAAATGAACTAGAATGATTAGCATAGGCCTCAGAACTGTCACAGTCAATCACTTTGC-3'

ClinVar aggregate classification (germline): Pathogenic (0 of 4 stars; one submission).

Conditions:
Fanconi anemia complementation group A (FANCA). Also called: Fanconi anemia, group A; FANCA-Related Fanconi Anemia. Identifiers: Orphanet 84, MedGen C3469521, MONDO:0009215, OMIM 227650.

Submission:

Leiden Open Variation Database
Classification: Pathogenic for Fanconi anemia complementation group A. Last evaluated: 2020-02-28. Review status: no assertion criteria provided. Collection method: curation. Allele origin: germline. Affected: yes.
Comment: Curator: Arleen D. Auerbach. Submitter to LOVD: Sue Richards.